The following is an entry in ClinVar:

NM_020631.6(PLEKHG5):c.967C>A (p.Leu323Ile)

Gene: PLEKHG5 (pleckstrin homology and RhoGEF domain containing G5; minus strand). Cytogenetic location: 1p36.31.
Variant type: single nucleotide variant.
Coding change: c.967C>A on transcript NM_020631.6 (MANE Select); coding-DNA position 967, C replaced by A.
Protein change: p.Leu323Ile; replaces leucine 323 with isoleucine.
Molecular consequence: missense variant.
Genome position (GRCh38, 1-based): chr1:6,473,003, G>T on the plus strand (C>A on the coding strand, the complement: PLEKHG5 is on the minus strand). VCF-style: chr1-6473003-G-T. GRCh37 (hg19) VCF-style: chr1-6533063-G-T.
Other names: c.1078C>A, p.Leu360Ile (NM_001042663.3, NM_001265592.2); c.967C>A, p.Leu323Ile (NM_001042664.2, NM_001042665.2, NM_001265594.3 and 1 more transcripts); c.1174C>A, p.Leu392Ile (NM_001265593.2); short protein forms L360I, L392I, L323I.
Identifiers: ClinVar variation 1375887 (VCV001375887.3), dbSNP rs1275790736, ClinGen allele CA338133526.

ClinVar aggregate classification (germline): Uncertain significance (1 of 4 stars; one submission).

Conditions:
Charcot-Marie-Tooth disease recessive intermediate C. Also called: CHARCOT-MARIE-TOOTH NEUROPATHY, RECESSIVE INTERMEDIATE C. Identifiers: Orphanet 369867, MedGen C3809309, MONDO:0014154, OMIM 615376.
Neuronopathy, distal hereditary motor, autosomal recessive 4. Also called: NEUROPATHY, DISTAL HEREDITARY MOTOR, AUTOSOMAL RECESSIVE 4; Autosomal recessive lower motor neuron disease with childhood onset. Identifiers: Orphanet 206580, MedGen C1970211, MONDO:0012608, OMIM 611067.

Allele frequency attached by ClinVar (database versions not stated): gnomAD exomes below 0.00001; TOPMed below 0.00001.
gnomAD v4.1: 1 of 1,613,982 alleles (0.000062%); highest among the groups gnomAD compares: Non-Finnish European, 0.000085%; no homozygotes.

Submission:

Labcorp Genetics (formerly Invitae), Labcorp
Classification: Uncertain significance for Neuronopathy, distal hereditary motor, autosomal recessive 4; Charcot-Marie-Tooth disease recessive intermediate C. Last evaluated: 2021-08-18. Review status: criteria provided, single submitter. Criteria: Invitae Variant Classification Sherloc (09022015). Collection method: clinical testing. Allele origin: germline.
Comment: This sequence change replaces leucine with isoleucine at codon 323 of the PLEKHG5 protein (p.Leu323Ile). The leucine residue is moderately conserved and there is a small physicochemical difference between leucine and isoleucine. This variant is not present in population databases (ExAC no frequency). This variant has not been reported in the literature in individuals affected with PLEKHG5-related conditions. Algorithms developed to predict the effect of missense changes on protein structure and function (SIFT, PolyPhen-2, Align-GVGD) all suggest that this variant is likely to be tolerated. In summary, the available evidence is currently insufficient to determine the role of this variant in disease. Therefore, it has been classified as a Variant of Uncertain Significance.